The following is an entry in ClinVar:

NM_005850.5(SF3B4):c.125C>A (p.Thr42Asn)

Gene: SF3B4 (splicing factor 3b subunit 4; minus strand). Cytogenetic location: 1q21.2.
Variant type: single nucleotide variant.
Coding change: c.125C>A on transcript NM_005850.5 (MANE Select); coding-DNA position 125, C replaced by A.
Protein change: p.Thr42Asn; replaces threonine 42 with asparagine.
Molecular consequence: missense variant.
Genome position (GRCh38, 1-based): chr1:149,927,204, G>T on the plus strand (C>A on the coding strand, the complement: SF3B4 is on the minus strand). VCF-style: chr1-149927204-G-T. GRCh37 (hg19) VCF-style: chr1-149899096-G-T.
Other names: short protein forms T42N.
Identifiers: ClinVar variation 2499948 (VCV002499948.1), dbSNP rs1559799161, ClinGen allele CA342279096.

ClinVar aggregate classification (germline): Uncertain significance (1 of 4 stars; one submission).

Allele frequency attached by ClinVar (database versions not stated): gnomAD exomes below 0.00001.
gnomAD v4.1: 1 of 1,614,148 alleles (0.000062%); highest among the groups gnomAD compares: Non-Finnish European, 0.000085%; no homozygotes.

Submission:

GeneDx
Classification: Uncertain significance. Last evaluated: 2022-10-19. Review status: criteria provided, single submitter. Criteria: GeneDx Variant Classification Process June 2021. Collection method: clinical testing. Allele origin: germline. Affected: yes.
Comment: In silico analysis supports that this missense variant has a deleterious effect on protein structure/function; Has not been previously published as pathogenic or benign to our knowledge